The following is an entry in ClinVar:

ClinVar aggregate classification (germline): Likely benign. Review status: criteria provided, multiple submitters, no conflicts (2 of 4 stars). 2 submissions from 2 submitters: Likely benign (2). Last evaluated 2024-07-25.

Allele frequency attached by ClinVar (database versions not stated): TOPMed below 0.00001; ExAC 0.00005.
gnomAD v4.1: 13 of 1,586,882 alleles (0.00082%); highest among the groups gnomAD compares: Admixed American, 0.0034%; no homozygotes.

Submissions (2):

Labcorp Genetics (formerly Invitae), Labcorp
Classification: Likely benign. Last evaluated: 2024-07-25. Review status: criteria provided, single submitter. Criteria: Invitae Variant Classification Sherloc (09022015). Collection method: clinical testing. Allele origin: germline.

GeneDx
Classification: Likely benign. Last evaluated: 2018-06-04. Review status: criteria provided, single submitter. Criteria: GeneDx Variant Classification (06012015). Collection method: clinical testing. Allele origin: germline. Affected: yes.
Comment: This variant is considered likely benign or benign based on one or more of the following criteria: it is a conservative change, it occurs at a poorly conserved position in the protein, it is predicted to be benign by multiple in silico algorithms, and/or has population frequency not consistent with disease.

NM_016239.4(MYO15A):c.1863G>A (p.Lys621=)

Gene: MYO15A (myosin XVA; plus strand). Cytogenetic location: 17p11.2.
Variant type: single nucleotide variant.
Coding change: c.1863G>A on transcript NM_016239.4 (MANE Select); coding-DNA position 1863, G replaced by A.
Protein change: p.Lys621=; no amino-acid change (lysine 621 retained).
Molecular consequence: synonymous variant.
Genome position (GRCh38, 1-based): chr17:18,120,663, G>A. VCF-style: chr17-18120663-G-A. GRCh37 (hg19) VCF-style: chr17-18023977-G-A.
Identifiers: ClinVar variation 668643 (VCV000668643.4), dbSNP rs760308017, ClinGen allele CA8423198.
Genomic context (GRCh38, chr17:18,120,663, plus strand): 5'-TGTCAGGGAGGCGGCCTACAAACGCTTCGGCTACAAGCTGGCTGGCATGGACCCCGAGAA[G>A]CCCGGCACGCCCATCGTGCTGAGGAGGGCCCAGCCACGCGCTCGCAGCAGCAACGACGCG-3'
Protein context (NP_057323.3, residues 611-631): GYKLAGMDPE[Lys621=]PGTPIVLRRA